The following is an entry in ClinVar:

ClinVar aggregate classification (germline): Uncertain significance. Review status: criteria provided, single submitter (1 of 4 stars). 2 submissions from 2 submitters: Uncertain significance (1). 1 of the submissions does not count toward it. Last evaluated 2024-02-23.

Conditions:
Retinal dystrophy. Also called: Inherited retinal dystrophy. Identifiers: Orphanet 71862, MedGen C0854723, MeSH D058499, MONDO:0019118, HP:0000556.

Allele frequency attached by ClinVar (database versions not stated): gnomAD 0.00002 and 0.00003; TOPMed 0.00006.
gnomAD v4.1: 122 of 1,613,988 alleles (0.0076%); highest among the groups gnomAD compares: Admixed American, 0.023%; no homozygotes.

Submissions (2):

Labcorp Genetics (formerly Invitae), Labcorp
Classification: Uncertain significance. Last evaluated: 2024-02-23. Review status: criteria provided, single submitter. Criteria: Invitae Variant Classification Sherloc (09022015). Collection method: clinical testing. Allele origin: germline.
Comment: This sequence change replaces isoleucine, which is neutral and non-polar, with threonine, which is neutral and polar, at codon 221 of the FZD4 protein (p.Ile221Thr). This variant is present in population databases (rs747931382, gnomAD 0.03%), and has an allele count higher than expected for a pathogenic variant. This variant has not been reported in the literature in individuals affected with FZD4-related conditions. ClinVar contains an entry for this variant (Variation ID: 1407772). Advanced modeling of protein sequence and biophysical properties (such as structural, functional, and spatial information, amino acid conservation, physicochemical variation, residue mobility, and thermodynamic stability) performed at Invitae indicates that this missense variant is not expected to disrupt FZD4 protein function with a negative predictive value of 80%. In summary, the available evidence is currently insufficient to determine the role of this variant in disease. Therefore, it has been classified as a Variant of Uncertain Significance.

Institute of Human Genetics, Univ. Regensburg, Univ. Regensburg
Classification: Uncertain significance for Retinal dystrophy. Last evaluated: 2022-01-01. Review status: no assertion criteria provided. Criteria: ACMG Guidelines, 2015. Collection method: clinical testing. Allele origin: germline. Affected: yes. Not counted in ClinVar's aggregate classification.

NM_012193.4(FZD4):c.662T>C (p.Ile221Thr)

Genes: FZD4 (frizzled class receptor 4; minus strand), PRSS23 (serine protease 23; plus strand). Cytogenetic location: 11q14.2.
Variant type: single nucleotide variant.
Coding change: c.662T>C on transcript NM_012193.4 (MANE Select); coding-DNA position 662, T replaced by C.
Protein change: p.Ile221Thr; replaces isoleucine 221 with threonine.
Molecular consequence: missense variant. On other transcripts: non-coding transcript variant (2).
Genome position (GRCh38, 1-based): chr11:86,952,094, A>G on the plus strand (T>C on the coding strand, the complement: FZD4 is on the minus strand). VCF-style: chr11-86952094-A-G. GRCh37 (hg19) VCF-style: chr11-86663136-A-G.
Other names: short protein forms I221T.
Identifiers: ClinVar variation 1407772 (VCV001407772.9), dbSNP rs747931382, ClinGen allele CA6218429.